The following is an entry in ClinVar:

NM_177438.3(DICER1):c.2780A>G (p.Tyr927Cys)

Gene: DICER1 (dicer 1, ribonuclease III; minus strand). Cytogenetic location: 14q32.13.
Variant type: single nucleotide variant.
Coding change: c.2780A>G on transcript NM_177438.3 (MANE Select); coding-DNA position 2780, A replaced by G.
Protein change: p.Tyr927Cys; replaces tyrosine 927 with cysteine.
Molecular consequence: missense variant. On other transcripts: non-coding transcript variant (6).
Genome position (GRCh38, 1-based): chr14:95,107,632, T>C on the plus strand (A>G on the coding strand, the complement: DICER1 is on the minus strand). VCF-style: chr14-95107632-T-C. GRCh37 (hg19) VCF-style: chr14-95573969-T-C.
Other names: c.2780A>G, p.Tyr927Cys (NM_001195573.1, NM_001271282.3, NM_001291628.2 and 13 more transcripts); c.2498A>G, p.Tyr833Cys (NM_001395686.1); c.2375A>G, p.Tyr792Cys (NM_001395687.1, NM_001395688.1, NM_001395689.1 and 2 more transcripts); c.2213A>G, p.Tyr738Cys (NM_001395691.1); c.1097A>G, p.Tyr366Cys (NM_001395697.1); short protein forms Y833C, Y366C, Y927C, Y738C, Y792C.
Identifiers: ClinVar variation 1795921 (VCV001795921.3), dbSNP rs2542828706, ClinGen allele CA390879451.

ClinVar aggregate classification (germline): Uncertain significance. Review status: criteria provided, multiple submitters, no conflicts (2 of 4 stars). 2 submissions from 2 submitters: Uncertain significance (2). Last evaluated 2025-08-20.

Conditions:
DICER1-related tumor predisposition. Also called: DICER1-related pleuropulmonary blastoma cancer predisposition syndrome; DICER1 syndrome. Identifiers: Orphanet 284343, MedGen C3839822, MONDO:0100216.
Hereditary cancer-predisposing syndrome. Also called: Neoplastic Syndromes, Hereditary; Tumor predisposition; Hereditary neoplastic syndrome; Hereditary Cancer Syndrome. Identifiers: Orphanet 140162, MedGen C0027672, MeSH D009386, MONDO:0015356.

Submissions (2):

Labcorp Genetics (formerly Invitae), Labcorp
Classification: Uncertain significance for DICER1-related tumor predisposition. Last evaluated: 2025-08-20. Review status: criteria provided, single submitter. Criteria: Invitae Variant Classification Sherloc (09022015). Collection method: clinical testing. Allele origin: germline.
Comment: This sequence change replaces tyrosine, which is neutral and polar, with cysteine, which is neutral and slightly polar, at codon 927 of the DICER1 protein (p.Tyr927Cys). This variant is not present in population databases (gnomAD no frequency). This variant has not been reported in the literature in individuals affected with DICER1-related conditions. ClinVar contains an entry for this variant (Variation ID: 1795921). Invitae Evidence Modeling of protein sequence and biophysical properties (such as structural, functional, and spatial information, amino acid conservation, physicochemical variation, residue mobility, and thermodynamic stability) has been performed for this missense variant. However, the output from this modeling did not meet the statistical confidence thresholds required to predict the impact of this variant on DICER1 protein function. In summary, the available evidence is currently insufficient to determine the role of this variant in disease. Therefore, it has been classified as a Variant of Uncertain Significance.

Ambry Genetics
Classification: Uncertain significance for Hereditary cancer-predisposing syndrome. Last evaluated: 2019-03-29. Review status: criteria provided, single submitter. Criteria: Ambry Variant Classification Scheme 2023. Collection method: clinical testing. Allele origin: germline.
Comment: The p.Y927C variant (also known as c.2780A>G), located in coding exon 16 of the DICER1 gene, results from an A to G substitution at nucleotide position 2780. The tyrosine at codon 927 is replaced by cysteine, an amino acid with highly dissimilar properties. This amino acid position is highly conserved in available vertebrate species. In addition, the in silico prediction for this alteration is inconclusive. Since supporting evidence is limited at this time, the clinical significance of this alteration remains unclear.